The following is an entry in ClinVar:

NM_018979.4(WNK1):c.4856A>T (p.His1619Leu)

Gene: WNK1 (WNK lysine deficient protein kinase 1; plus strand). Cytogenetic location: 12p13.33.
Variant type: single nucleotide variant.
Coding change: c.4856A>T on transcript NM_018979.4 (MANE Select); coding-DNA position 4856, A replaced by T.
Protein change: p.His1619Leu; replaces histidine 1619 with leucine.
Molecular consequence: missense variant.
Genome position (GRCh38, 1-based): chr12:885,660, A>T. VCF-style: chr12-885660-A-T. GRCh37 (hg19) VCF-style: chr12-994826-A-T.
Other names: c.5636A>T, p.His1879Leu (NM_001184985.2); c.4115A>T, p.His1372Leu (NM_014823.3); c.5612A>T, p.His1871Leu (NM_213655.5); short protein forms H1372L, H1879L, H1619L, H1871L.
Identifiers: ClinVar variation 661758 (VCV000661758.7), dbSNP rs1159092269, ClinGen allele CA383332071.

ClinVar aggregate classification (germline): Uncertain significance. Review status: criteria provided, multiple submitters, no conflicts (2 of 4 stars). 2 submissions from 2 submitters: Uncertain significance (2). Last evaluated 2024-06-20.

Conditions:
Pseudohypoaldosteronism type 2C (PHA2C). Also called: Pseudohypoaldosteronism Type IIC. Identifiers: Orphanet 757, Orphanet 88940, MedGen C1840391, MONDO:0013778, OMIM 614492.
Neuropathy, hereditary sensory and autonomic, type 2A (HSAN2A). Also called: ACROOSTEOLYSIS, GIACCAI TYPE; ACROOSTEOLYSIS, NEUROGENIC; HSAN IIA; WNK1-Related HSAN2 (HSAN2A); MORVAN DISEASE; NEUROPATHY, CONGENITAL SENSORY. Identifiers: Orphanet 970, MedGen C2752089, MONDO:0024309, OMIM 201300.

Allele frequency attached by ClinVar (database versions not stated): TOPMed below 0.00001; gnomAD 0.00001.
gnomAD v4.1: 10 of 1,614,082 alleles (0.00062%); highest among the groups gnomAD compares: Non-Finnish European, 0.00076%; no homozygotes.

Submissions (2):

Fulgent Genetics
Classification: Uncertain significance for Neuropathy, hereditary sensory and autonomic, type 2A; Pseudohypoaldosteronism type 2C. Last evaluated: 2024-06-20. Review status: criteria provided, single submitter. Criteria: ACMG Guidelines, 2015. Collection method: clinical testing. Allele origin: germline.

Labcorp Genetics (formerly Invitae), Labcorp
Classification: Uncertain significance for Neuropathy, hereditary sensory and autonomic, type 2A; Pseudohypoaldosteronism type 2C. Last evaluated: 2022-02-01. Review status: criteria provided, single submitter. Criteria: Invitae Variant Classification Sherloc (09022015). Collection method: clinical testing. Allele origin: germline.
Comment: Advanced modeling of protein sequence and biophysical properties (such as structural, functional, and spatial information, amino acid conservation, physicochemical variation, residue mobility, and thermodynamic stability) performed at Invitae indicates that this missense variant is not expected to disrupt WNK1 protein function. In summary, the available evidence is currently insufficient to determine the role of this variant in disease. Therefore, it has been classified as a Variant of Uncertain Significance. ClinVar contains an entry for this variant (Variation ID: 661758). This variant has not been reported in the literature in individuals affected with WNK1-related conditions. This variant is not present in population databases (gnomAD no frequency). This sequence change replaces histidine, which is basic and polar, with leucine, which is neutral and non-polar, at codon 1871 of the WNK1 protein (p.His1871Leu).